The following is an entry in ClinVar:

NM_003024.3(ITSN1):c.3017-2A>G

Gene: ITSN1 (intersectin 1; plus strand). Cytogenetic location: 21q22.11.
Variant type: single nucleotide variant.
Coding change: c.3017-2A>G on transcript NM_003024.3 (MANE Select); the canonical splice acceptor site of the intron before coding-DNA position 3017, A replaced by G.
Molecular consequence: splice acceptor variant. On other transcripts: intron variant (2).
Genome position (GRCh38, 1-based): chr21:33,823,485, A>G. VCF-style: chr21-33823485-A-G. GRCh37 (hg19) VCF-style: chr21-35195789-A-G.
Other names: c.3002-2A>G (NM_001331010.2, NM_001331009.2); c.3017-2A>G (NM_001001132.2); c.3016+4162A>G (NM_001331008.2); c.3001+4162A>G (NM_001331011.2); c.2891-2A>G (NM_001331012.2).
Identifiers: ClinVar variation 1707525 (VCV001707525.1), dbSNP rs2518153097, ClinGen allele CA410120902.

ClinVar aggregate classification (germline): Likely pathogenic (1 of 4 stars; one submission).

Conditions:
Generalized-onset seizure. Also called: Generalized seizures. Identifiers: MedGen C0234533, HP:0002197.

Submission:

Institute of Human Genetics, University of Leipzig Medical Center
Classification: Likely pathogenic for Generalized-onset seizure. Last evaluated: 2022-08-31. Review status: criteria provided, single submitter. Criteria: ACMG Guidelines, 2015. Collection method: clinical testing. Allele origin: unknown. Affected: yes.
Comment: _x000D_ Criteria applied: PVS1, PM2_SUP